The following is an entry in ClinVar:

ClinVar aggregate classification (germline): Benign/Likely benign. Review status: criteria provided, multiple submitters, no conflicts (2 of 4 stars). 3 submissions from 3 submitters: Benign (1); Likely benign (2). Last evaluated 2025-08-15.

Allele frequency attached by ClinVar (database versions not stated): ExAC 0.00149.
gnomAD v4.1: 382 of 1,490,138 alleles (0.026%); highest among the groups gnomAD compares: Middle Eastern, 0.019%; no homozygotes.

Submissions (3):

Labcorp Genetics (formerly Invitae), Labcorp
Classification: Benign. Last evaluated: 2025-08-15. Review status: criteria provided, single submitter. Criteria: Invitae Variant Classification Sherloc (09022015). Collection method: clinical testing. Allele origin: germline.

CeGaT Center for Human Genetics Tuebingen
Classification: Likely benign. Last evaluated: 2024-12-01. Review status: criteria provided, single submitter. Criteria: CeGaT Center For Human Genetics Tuebingen Variant Classification Criteria Version 2. Collection method: clinical testing. Allele origin: germline. Affected: yes. Observed: 2 variant alleles.
Comment: MAGEL2: BP4, BS1

Blueprint Genetics
Classification: Likely benign. Last evaluated: 2024-05-17. Review status: criteria provided, single submitter. Criteria: ACMG Guidelines, 2015. Collection method: clinical testing. Allele origin: germline.

NM_019066.5(MAGEL2):c.44C>T (p.Ala15Val)

Gene: MAGEL2 (MAGE family member L2; minus strand). Cytogenetic location: 15q11.2.
Variant type: single nucleotide variant.
Coding change: c.44C>T on transcript NM_019066.5 (MANE Select); coding-DNA position 44, C replaced by T.
Protein change: p.Ala15Val; replaces alanine 15 with valine.
Molecular consequence: missense variant.
Genome position (GRCh38, 1-based): chr15:23,647,699, G>A on the plus strand (C>T on the coding strand, the complement: MAGEL2 is on the minus strand). VCF-style: chr15-23647699-G-A. GRCh37 (hg19) VCF-style: chr15-23892846-G-A.
Other names: short protein forms A15V.
Identifiers: ClinVar variation 1938956 (VCV001938956.23), dbSNP rs758805784, ClinGen allele CA7430134.